The following is an entry in ClinVar:

ClinVar aggregate classification (germline): Pathogenic. Review status: criteria provided, multiple submitters, no conflicts (2 of 4 stars). 2 submissions from 2 submitters: Pathogenic (2). Last evaluated 2026-05-20.

Conditions:
Cardiovascular phenotype. Identifiers: MedGen CN230736.
Hereditary cancer-predisposing syndrome. Also called: Hereditary neoplastic syndrome; Neoplastic Syndromes, Hereditary; Tumor predisposition; Hereditary Cancer Syndrome. Identifiers: Orphanet 140162, MedGen C0027672, MeSH D009386, MONDO:0015356.

Submissions (2):

Ambry Genetics
Classification: Pathogenic for Cardiovascular phenotype; Hereditary cancer-predisposing syndrome. Last evaluated: 2026-05-20. Review status: criteria provided, single submitter. Criteria: Ambry Variant Classification Scheme 2023. Collection method: clinical testing. Allele origin: germline.
Comment: The c.1349delG pathogenic mutation, located in coding exon 12 of the LZTR1 gene, results from a deletion of one nucleotide at nucleotide position 1349, causing a translational frameshift with a predicted alternate stop codon (p.G450Vfs*11). This variant is considered to be rare based on population cohorts in the Genome Aggregation Database (gnomAD). This alteration is expected to result in loss of function by premature protein truncation or nonsense-mediated mRNA decay. Loss-of-function variants in LZTR1 are related to an increased risk for schwannomas and autosomal recessive Noonan syndrome; however, such associations with autosomal dominant Noonan syndrome have not been observed (Piotrowski A et al. Nat Genet. 2014 Feb;46:182-7; Yamamoto GL et al. J Med Genet. 2015 Jun;52:413-21; Johnston JJ et al. Genet Med. 2018 10;20:1175-1185). Based on the supporting evidence, this variant is pathogenic for an increased risk of LZTR1-related schwannomatosis (SWN) and would be expected to cause autosomal recessive Noonan syndrome when present along with a second pathogenic or likely pathogenic variant on the other allele; however, the association of this variant with autosomal dominant Noonan syndrome is unlikely.

Labcorp Genetics (formerly Invitae), Labcorp
Classification: Pathogenic. Last evaluated: 2025-02-27. Review status: criteria provided, single submitter. Criteria: Invitae Variant Classification Sherloc (09022015). Collection method: clinical testing. Allele origin: germline.
Comment: This sequence change creates a premature translational stop signal (p.Gly450Valfs*11) in the LZTR1 gene. It is expected to result in an absent or disrupted protein product. Loss-of-function variants in LZTR1 are known to be pathogenic (PMID: 24362817, 25335493, 25480913, 25795793, 29469822, 30368668, 30442762, 30442766, 30481304, 30859559). This variant is not present in population databases (gnomAD no frequency). This variant has not been reported in the literature in individuals affected with LZTR1-related conditions. ClinVar contains an entry for this variant (Variation ID: 2979231). For these reasons, this variant has been classified as Pathogenic.

Literature cited by the submitters: PubMed 24362817 (cited by Labcorp Genetics (formerly Invitae), Labcorp); PubMed 25335493 (cited by Labcorp Genetics (formerly Invitae), Labcorp); PubMed 25480913 (cited by Labcorp Genetics (formerly Invitae), Labcorp); PubMed 25795793 (cited by Labcorp Genetics (formerly Invitae), Labcorp); PubMed 29469822 (cited by Labcorp Genetics (formerly Invitae), Labcorp); PubMed 30368668 (cited by Labcorp Genetics (formerly Invitae), Labcorp); PubMed 30442762 (cited by Labcorp Genetics (formerly Invitae), Labcorp); PubMed 30442766 (cited by Labcorp Genetics (formerly Invitae), Labcorp); PubMed 30481304 (cited by Labcorp Genetics (formerly Invitae), Labcorp); PubMed 30859559 (cited by Labcorp Genetics (formerly Invitae), Labcorp).

NM_006767.4(LZTR1):c.1349del (p.Gly450fs)

Gene: LZTR1 (leucine zipper like post translational regulator 1; plus strand). Cytogenetic location: 22q11.21.
Variant type: Deletion.
Coding change: c.1349del on transcript NM_006767.4 (MANE Select); coding-DNA position 1349, one base deleted (G; older notation c.1349delG).
Protein change: p.Gly450fs; shifts the reading frame from glycine 450.
Molecular consequence: frameshift variant.
Genome position (GRCh38, 1-based): chr22:20,993,750, G deleted; the last of 3 consecutive G bases (chr22:20,993,748-20,993,750); deleting any one gives the same sequence. VCF-style (leftmost placement, unchanged base first): chr22-20993747-TG-T. GRCh37 (hg19) VCF-style: chr22-21348036-TG-T.
Other names: c.1349delG (NM_006767.3); short protein forms G450fs.
Identifiers: ClinVar variation 2979231 (VCV002979231.4), dbSNP rs1454665394, ClinGen allele CA751565968.
Genomic context (GRCh38, chr22:20,993,747, plus strand): 5'-TGCACGAGGACTACGGGCGGCTGTGGGAGAGCCGCCAGTTCTGCGACGTGGAGTTCGTGC[TG>T]GGTGAGGTGGGTGCCTGTCCTCGCACCCTGCTCTGCCTGCTGTGCCTGGGCAGTGGGAAT-3'